The following is an entry in ClinVar:

NM_002335.4(LRP5):c.3237-1G>T

Gene: LRP5 (LDL receptor related protein 5; plus strand). Cytogenetic location: 11q13.2.
Variant type: single nucleotide variant.
Coding change: c.3237-1G>T on transcript NM_002335.4 (MANE Select); the canonical splice acceptor site of the intron before coding-DNA position 3237, G replaced by T.
Molecular consequence: splice acceptor variant.
Genome position (GRCh38, 1-based): chr11:68,425,101, G>T. VCF-style: chr11-68425101-G-T. GRCh37 (hg19) VCF-style: chr11-68192569-G-T.
Other names: c.1494-1G>T (NM_001291902.2).
Identifiers: ClinVar variation 3726277 (VCV003726277.2).
Genomic context (GRCh38, chr11:68,425,101, plus strand): 5'-TCCGTGCTGTCCGAGGAGACGCCATCCCCACACCCGTCCTTCACCCGCCACCCTCCCGCA[G>T]GTACCTGTACTTCACCAACATGCAGGACCGGGCAGCCAAGATCGAACGCGCAGCCCTGGA-3'

ClinVar aggregate classification (germline): Likely pathogenic (1 of 4 stars; one submission).

Submission:

Labcorp Genetics (formerly Invitae), Labcorp
Classification: Likely pathogenic. Last evaluated: 2024-11-27. Review status: criteria provided, single submitter. Criteria: Invitae Variant Classification Sherloc (09022015). Collection method: clinical testing. Allele origin: germline.
Comment: This sequence change affects an acceptor splice site in intron 14 of the LRP5 gene. It is expected to disrupt RNA splicing. Variants that disrupt the donor or acceptor splice site typically lead to a loss of protein function (PMID: 16199547), and loss-of-function variants in LRP5 are known to be pathogenic (PMID: 11719191, 16252235, 25711638). This variant is not present in population databases (gnomAD no frequency). Disruption of this splice site has been observed in individual(s) with clinical features of LRP5-related conditions (internal data). Algorithms developed to predict the effect of sequence changes on RNA splicing suggest that this variant may disrupt the consensus splice site. In summary, the currently available evidence indicates that the variant is pathogenic, but additional data are needed to prove that conclusively. Therefore, this variant has been classified as Likely Pathogenic.

Literature cited by the submitters: PubMed 16199547; PubMed 11719191; PubMed 16252235; PubMed 25711638.